The following is an entry in ClinVar:

NM_001148.6(ANK2):c.10967T>A (p.Leu3656His)

Gene: ANK2 (ankyrin 2; plus strand). Cytogenetic location: 4q26.
Variant type: single nucleotide variant.
Coding change: c.10967T>A on transcript NM_001148.6 (MANE Select); coding-DNA position 10967, T replaced by A.
Protein change: p.Leu3656His; replaces leucine 3656 with histidine.
Molecular consequence: missense variant.
Genome position (GRCh38, 1-based): chr4:113,365,117, T>A. VCF-style: chr4-113365117-T-A. GRCh37 (hg19) VCF-style: chr4-114286273-T-A.
Other names: c.4685T>A, p.Leu1562His (NM_001127493.3); c.4724T>A, p.Leu1575His (NM_001354225.2); c.4613T>A, p.Leu1538His (NM_001354228.2, NM_001354258.2); c.4691T>A, p.Leu1564His (NM_001354230.2); c.4754T>A, p.Leu1585His (NM_001354231.2, NM_001354242.2); c.4748T>A, p.Leu1583His (NM_001354232.2); c.4709T>A, p.Leu1570His (NM_001354235.2, NM_001354246.2, NM_001354265.2); c.4610T>A, p.Leu1537His (NM_001354236.2); and 35 more; short protein forms L1410H, L1443H, L1471H, L1476H, L1484H, L1493H, L1496H, L1498H.
Identifiers: ClinVar variation 3605704 (VCV003605704.3).

ClinVar aggregate classification (germline): Uncertain significance. Review status: criteria provided, multiple submitters, no conflicts (2 of 4 stars). 2 submissions from 2 submitters: Uncertain significance (2). Last evaluated 2025-09-18.

Conditions:
Long QT syndrome (LQTS). Identifiers: MedGen C0023976, MeSH D008133, MONDO:0002442. Disease mechanism: loss of function. Inheritance: Various modes of inheritance.
Cardiovascular phenotype. Identifiers: MedGen CN230736.

Submissions (2):

Ambry Genetics
Classification: Uncertain significance for Cardiovascular phenotype. Last evaluated: 2025-09-18. Review status: criteria provided, single submitter. Criteria: Ambry Variant Classification Scheme 2023. Collection method: clinical testing. Allele origin: germline.
Comment: The p.L3656H variant (also known as c.10967T>A), located in coding exon 41 of the ANK2 gene, results from a T to A substitution at nucleotide position 10967. The leucine at codon 3656 is replaced by histidine, an amino acid with similar properties. This amino acid position is conserved. In addition, the in silico prediction for this alteration is inconclusive. Based on the available evidence, the clinical significance of this variant remains unclear.

Labcorp Genetics (formerly Invitae), Labcorp
Classification: Uncertain significance for Long QT syndrome. Last evaluated: 2024-02-22. Review status: criteria provided, single submitter. Criteria: Invitae Variant Classification Sherloc (09022015). Collection method: clinical testing. Allele origin: germline.
Comment: This sequence change replaces leucine, which is neutral and non-polar, with histidine, which is basic and polar, at codon 3656 of the ANK2 protein (p.Leu3656His). This variant is not present in population databases (gnomAD no frequency). This variant has not been reported in the literature in individuals affected with ANK2-related conditions. An algorithm developed to predict the effect of missense changes on protein structure and function (PolyPhen-2) suggests that this variant is likely to be disruptive. In summary, the available evidence is currently insufficient to determine the role of this variant in disease. Therefore, it has been classified as a Variant of Uncertain Significance.